The following is an entry in ClinVar:

NM_003403.5(YY1):c.1036G>T (p.Val346Phe)

Gene: YY1 (YY1 transcription factor; plus strand). Cytogenetic location: 14q32.2.
Variant type: single nucleotide variant.
Coding change: c.1036G>T on transcript NM_003403.5 (MANE Select); coding-DNA position 1036, G replaced by T.
Protein change: p.Val346Phe; replaces valine 346 with phenylalanine.
Molecular consequence: missense variant.
Genome position (GRCh38, 1-based): chr14:100,276,622, G>T. VCF-style: chr14-100276622-G-T. GRCh37 (hg19) VCF-style: chr14-100742959-G-T.
Other names: short protein forms V346F.
Identifiers: ClinVar variation 1708247 (VCV001708247.2), dbSNP rs2549138613, ClinGen allele CA390968979.
Genomic context (GRCh38, chr14:100,276,622, plus strand): 5'-GTCTGTGCAGAATGTGGCAAAGCTTTTGTTGAGAGTTCAAAACTAAAACGACACCAACTG[G>T]TTCATACTGGAGAGAAGCCCTTTCAGGTAGAGCCAGTTCCCTCTCTTCCCCACACTGCCT-3'
Protein context (NP_003394.1, residues 336-356): ESSKLKRHQL[Val346Phe]HTGEKPFQCT

ClinVar aggregate classification (germline): Likely pathogenic (1 of 4 stars; one submission).

Conditions:
Gabriele de Vries syndrome. Identifiers: Orphanet 506358, MedGen C4479652, MONDO:0044738, OMIM 617557.

Submission:

Genetics Laboratory, UDIAT-Centre Diagnòstic, Hospital Universitari Parc Tauli
Classification: Likely pathogenic for Gabriele de Vries syndrome. Last evaluated: 2022-10-04. Review status: criteria provided, single submitter. Criteria: Parc Tauli Hospital Assertion Criteria 2021. Collection method: clinical testing. Allele origin: unknown. Inheritance: Autosomal dominant inheritance. Affected: yes.
Comment: PM1;PM2_supporting;PP2;PP3